The following is an entry in ClinVar:

NM_174916.3(UBR1):c.4847C>T (p.Ser1616Phe)

Gene: UBR1 (ubiquitin protein ligase E3 component n-recognin 1; minus strand). Cytogenetic location: 15q15.2.
Variant type: single nucleotide variant.
Coding change: c.4847C>T on transcript NM_174916.3 (MANE Select); coding-DNA position 4847, C replaced by T.
Protein change: p.Ser1616Phe; replaces serine 1616 with phenylalanine.
Molecular consequence: missense variant.
Genome position (GRCh38, 1-based): chr15:42,952,437, G>A on the plus strand (C>T on the coding strand, the complement: UBR1 is on the minus strand). VCF-style: chr15-42952437-G-A. GRCh37 (hg19) VCF-style: chr15-43244635-G-A.
Other names: short protein forms S1616F.
Identifiers: ClinVar variation 1416460 (VCV001416460.4), dbSNP rs764269850, ClinGen allele CA7517744.

ClinVar aggregate classification (germline): Uncertain significance (1 of 4 stars; one submission).

Allele frequency attached by ClinVar (database versions not stated): gnomAD exomes below 0.00001 and 0.00001; TOPMed below 0.00001; ExAC 0.00001; gnomAD 0.00001.
gnomAD v4.1: 11 of 1,614,098 alleles (0.00068%); highest among the groups gnomAD compares: Admixed American, 0.0017%; no homozygotes.

Submission:

Labcorp Genetics (formerly Invitae), Labcorp
Classification: Uncertain significance. Last evaluated: 2025-08-20. Review status: criteria provided, single submitter. Criteria: Invitae Variant Classification Sherloc (09022015). Collection method: clinical testing. Allele origin: germline.
Comment: This sequence change replaces serine, which is neutral and polar, with phenylalanine, which is neutral and non-polar, at codon 1616 of the UBR1 protein (p.Ser1616Phe). This variant is present in population databases (rs764269850, gnomAD 0.002%). This variant has not been reported in the literature in individuals affected with UBR1-related conditions. ClinVar contains an entry for this variant (Variation ID: 1416460). Invitae Evidence Modeling of protein sequence and biophysical properties (such as structural, functional, and spatial information, amino acid conservation, physicochemical variation, residue mobility, and thermodynamic stability) indicates that this missense variant is expected to disrupt UBR1 protein function with a positive predictive value of 80%. In summary, the available evidence is currently insufficient to determine the role of this variant in disease. Therefore, it has been classified as a Variant of Uncertain Significance.